The following is an entry in ClinVar:

ClinVar aggregate classification (germline): Benign/Likely benign. Review status: criteria provided, multiple submitters, no conflicts (2 of 4 stars). 5 submissions from 5 submitters: Benign (1); Likely benign (4). Last evaluated 2026-04-23.

Conditions:
Ullrich congenital muscular dystrophy 2 (UCMD2). Identifiers: Orphanet 75840, MedGen C4225314, MONDO:0014654, OMIM 616470.
Bethlem myopathy 2 (BTHLM2). Identifiers: Orphanet 536516, Orphanet 610, MedGen C4225313, MONDO:0034022, OMIM 616471.

Allele frequency attached by ClinVar (database versions not stated): 1000 Genomes Project 30x 0.00078; 1000 Genomes Project 0.00080; ESP Exome Variant Server 0.00110; TOPMed 0.00170.
gnomAD v4.1: 422 of 1,507,156 alleles (0.028%); highest among the groups gnomAD compares: African/African-American, 0.66%; no homozygotes.

Submissions (7):

Women's Health and Genetics/Laboratory Corporation of America, LabCorp
Classification: Likely benign. Last evaluated: 2026-04-23. Review status: criteria provided, single submitter. Criteria: LabCorp Variant Classification Summary - May 2015. Collection method: clinical testing. Allele origin: germline.
Comment: Variant summary: COL12A1 c.1897G>T (p.Val633Phe) results in a non-conservative amino acid change in the encoded protein sequence. Algorithms developed to predict the effect of missense changes on protein structure and function all suggest that this variant is likely to be disruptive. The variant allele was found at a frequency of 0.00045 in 196792 control chromosomes, predominantly at a frequency of 0.0047 within the African or African-American subpopulation in the gnomAD database. The observed variant frequency within African or African-American control individuals in the gnomAD database exceeds the estimated maximal expected allele frequency for disease-causing variants in COL12A1, providing supporting evidence for a benign role. To our knowledge, no occurrence of c.1897G>T in individuals affected with COL12A1-related conditions and no experimental evidence demonstrating its impact on protein function have been reported. ClinVar contains an entry for this variant (Variation ID: 475849). Based on the evidence outlined above, the variant was classified as likely benign.

Labcorp Genetics (formerly Invitae), Labcorp
Classification: Benign for Bethlem myopathy 2; Ullrich congenital muscular dystrophy 2. Last evaluated: 2026-01-27. Review status: criteria provided, single submitter. Criteria: Invitae Variant Classification Sherloc (09022015). Collection method: clinical testing. Allele origin: germline.

Mayo Clinic Laboratories, Mayo Clinic
Classification: Likely benign. Last evaluated: 2025-09-16. Review status: criteria provided, single submitter. Criteria: ACMG Guidelines, 2015. Collection method: clinical testing. Allele origin: germline. Observed: 5 variant alleles.
Comment: BS1

GeneDx
Classification: Likely benign. Last evaluated: 2020-06-08. Review status: criteria provided, single submitter. Criteria: GeneDx Variant Classification Process June 2021. Collection method: clinical testing. Allele origin: germline. Affected: yes.

Breakthrough Genomics
Classification: Likely benign. Review status: criteria provided, single submitter. Criteria: ACMG Guidelines, 2015. Collection method: not provided. Allele origin: germline. Inheritance: Autosomal recessive inheritance. Affected: yes.

Dr. Peter K. Rogan Lab, Western University
No classification provided (evidence only). Condition: Sarcoma. Review status: no classification provided. Collection method: in vitro. Allele origin: not applicable. Functional consequence: retained intron. Not counted in ClinVar's aggregate classification.

Dr. Peter K. Rogan Lab, Western University
No classification provided (evidence only). Condition: Gastric cancer. Review status: no classification provided. Collection method: in vitro. Allele origin: not applicable. Functional consequence: retained intron. Not counted in ClinVar's aggregate classification.

NM_004370.6(COL12A1):c.1897G>T (p.Val633Phe)

Gene: COL12A1 (collagen type XII alpha 1 chain; minus strand). Cytogenetic location: 6q13.
Variant type: single nucleotide variant.
Coding change: c.1897G>T on transcript NM_004370.6 (MANE Select); coding-DNA position 1897, G replaced by T.
Protein change: p.Val633Phe; replaces valine 633 with phenylalanine.
Molecular consequence: missense variant. On other transcripts: intron variant (1).
Genome position (GRCh38, 1-based): chr6:75,181,206, C>A on the plus strand (G>T on the coding strand, the complement: COL12A1 is on the minus strand). VCF-style: chr6-75181206-C-A. GRCh37 (hg19) VCF-style: chr6-75890922-C-A.
Other names: p.Val633Phe; c.73+21514G>T (NM_080645.3); short protein forms V633F.
Identifiers: ClinVar variation 475849 (VCV000475849.24), dbSNP rs200315815, ClinGen allele CA3894093.